The following is an entry in ClinVar:

ClinVar aggregate classification (germline): Uncertain significance (1 of 4 stars; one submission).

Submission:

GeneDx
Classification: Uncertain significance. Last evaluated: 2022-08-02. Review status: criteria provided, single submitter. Criteria: GeneDx Variant Classification Process June 2021. Collection method: clinical testing. Allele origin: germline. Affected: yes.
Comment: Not observed at significant frequency in large population cohorts (gnomAD); In silico analysis supports a deleterious effect on splicing; Has not been previously published as pathogenic or benign to our knowledge

NM_001457.4(FLNB):c.1484-6C>G

Gene: FLNB (filamin B; plus strand). Cytogenetic location: 3p14.3.
Variant type: single nucleotide variant.
Coding change: c.1484-6C>G on transcript NM_001457.4 (MANE Select); 6 bases into the intron before coding-DNA position 1484, C replaced by G.
Molecular consequence: intron variant.
Genome position (GRCh38, 1-based): chr3:58,103,953, C>G. VCF-style: chr3-58103953-C-G. GRCh37 (hg19) VCF-style: chr3-58089680-C-G.
Other names: c.1484-6C>G (NM_001164317.2, NM_001164318.2, NM_001164319.2).
Identifiers: ClinVar variation 2429000 (VCV002429000.3), dbSNP rs2471069252, ClinGen allele CA2580070355.
Genomic context (GRCh38, chr3:58,103,953, plus strand): 5'-TGTCCTTTTGATTCTCATTTTGGGCCTAGGATTGTGTTGGAAAGATTATCTCCTTCCTTC[C>G]CACAGAGGGTCTGGAGGAGCTGGTGAAGCAGAAAGACTTTCTGGATGGGGTCTACGCATT-3'